The following is an entry in ClinVar:

ClinVar aggregate classification (germline): Likely benign (1 of 4 stars; one submission).

Allele frequency attached by ClinVar (database versions not stated): gnomAD exomes 0.00001.
gnomAD v4.1: 3 of 1,593,744 alleles (0.00019%); highest among the groups gnomAD compares: Non-Finnish European, 0.00026%; no homozygotes.

Submission:

GeneDx
Classification: Likely benign. Last evaluated: 2016-05-26. Review status: criteria provided, single submitter. Criteria: GeneDx Variant Classification (06012015). Collection method: clinical testing. Allele origin: germline. Affected: yes.
Comment: This variant is considered likely benign or benign based on one or more of the following criteria: it is a conservative change, it occurs at a poorly conserved position in the protein, it is predicted to be benign by multiple in silico algorithms, and/or has population frequency not consistent with disease.

NM_152778.4(MFSD8):c.-68C>T

Gene: MFSD8 (major facilitator superfamily domain containing 8; minus strand). Cytogenetic location: 4q28.2.
Variant type: single nucleotide variant.
Coding change: c.-68C>T on transcript NM_152778.4; 68 bases upstream of the start codon, C replaced by T.
Molecular consequence: 5 prime UTR variant. On other transcripts: intron variant (2).
Genome position (GRCh38, 1-based): chr4:127,965,201, G>A on the plus strand (C>T on the coding strand, the complement: MFSD8 is on the minus strand). VCF-style: chr4-127965201-G-A. GRCh37 (hg19) VCF-style: chr4-128886356-G-A.
Other names: c.-74+696C>T (NM_001410765.1, NM_001371590.2).
Identifiers: ClinVar variation 386453 (VCV000386453.3), dbSNP rs1057522504, ClinGen allele CA16604606.